The following is an entry in ClinVar:

ClinVar aggregate classification (germline): Uncertain significance (1 of 4 stars; one submission).

Conditions:
Catecholaminergic polymorphic ventricular tachycardia 1. Also called: VENTRICULAR TACHYCARDIA, STRESS-INDUCED POLYMORPHIC 1; RYR2-Related Catecholaminergic Polymorphic Ventricular Tachycardia; VENTRICULAR TACHYCARDIA, CATECHOLAMINERGIC POLYMORPHIC, 1, WITH OR WITHOUT ATRIAL DYSFUNCTION AND/OR DILATED CARDIOMYOPATHY. Identifiers: Orphanet 3286, MedGen C1631597, MONDO:0011484, OMIM 604772.

gnomAD v4.1: 2 of 1,610,988 alleles (0.00012%); highest among the groups gnomAD compares: East Asian, 0.0022%; no homozygotes.

Submission:

Labcorp Genetics (formerly Invitae), Labcorp
Classification: Uncertain significance for Catecholaminergic polymorphic ventricular tachycardia 1. Last evaluated: 2025-08-30. Review status: criteria provided, single submitter. Criteria: Invitae Variant Classification Sherloc (09022015). Collection method: clinical testing. Allele origin: germline.
Comment: This sequence change replaces threonine, which is neutral and polar, with alanine, which is neutral and non-polar, at codon 1297 of the RYR2 protein (p.Thr1297Ala). This variant is not present in population databases (gnomAD no frequency). This variant has not been reported in the literature in individuals affected with RYR2-related conditions. Invitae Evidence Modeling of protein sequence and biophysical properties (such as structural, functional, and spatial information, amino acid conservation, physicochemical variation, residue mobility, and thermodynamic stability) indicates that this missense variant is not expected to disrupt RYR2 protein function with a negative predictive value of 95%. In summary, the available evidence is currently insufficient to determine the role of this variant in disease. Therefore, it has been classified as a Variant of Uncertain Significance.

NM_001035.3(RYR2):c.3889A>G (p.Thr1297Ala)

Genes: RYR2 (ryanodine receptor 2; plus strand), LOC126806067 (BRD4-independent group 4 enhancer GRCh37_chr1:237753258-237754457; plus strand). Cytogenetic location: 1q43.
Variant type: single nucleotide variant.
Coding change: c.3889A>G on transcript NM_001035.3 (MANE Select); coding-DNA position 3889, A replaced by G.
Protein change: p.Thr1297Ala; replaces threonine 1297 with alanine.
Molecular consequence: missense variant.
Genome position (GRCh38, 1-based): chr1:237,590,721, A>G. VCF-style: chr1-237590721-A-G. GRCh37 (hg19) VCF-style: chr1-237754021-A-G.
Other names: short protein forms T1297A.
Identifiers: ClinVar variation 4800070 (VCV004800070.1).